The following is an entry in ClinVar:

NM_000038.6(APC):c.933+934C>G

Gene: APC (APC regulator of WNT signaling pathway; plus strand). Cytogenetic location: 5q22.2.
Variant type: single nucleotide variant.
Coding change: c.933+934C>G on transcript NM_000038.6 (MANE Select); 934 bases into the intron after coding-DNA position 933, C replaced by G.
Molecular consequence: intron variant.
Genome position (GRCh38, 1-based): chr5:112,816,527, C>G. VCF-style: chr5-112816527-C-G. GRCh37 (hg19) VCF-style: chr5-112152224-C-G.
Other names: c.933+934C>G (NM_001354895.2, NM_001127510.3, NM_001354896.2 and 1 more transcripts); c.963+934C>G (NM_001354897.2, NM_001354902.2); c.879+934C>G (NM_001127511.3); c.858+934C>G (NM_001354898.2, NM_001354904.2); c.84+934C>G (NM_001354906.2); c.849+934C>G (NM_001354899.2); c.756+934C>G (NM_001354900.2, NM_001354901.2, NM_001354905.2).
Identifiers: ClinVar variation 83101 (VCV000083101.2), dbSNP rs74858737, ClinGen allele CA015787.

ClinVar aggregate classification (germline): other (0 of 4 stars; one submission).

Conditions:
Familial colorectal cancer. Identifiers: MedGen CN280943, MONDO:0023113. Disease mechanism: loss of function.

Submission:

Systems Biology Platform Zhejiang California International NanoSystems Institute
Classification: other for Familial colorectal cancer. Review status: no assertion criteria provided. Collection method: not provided. Allele origin: unknown.
ClinVar note: Converted during submission from cancer to other.